The following is an entry in ClinVar:

NM_000113.3(TOR1A):c.*414G>T

Gene: TOR1A (torsin family 1 member A; minus strand). Cytogenetic location: 9q34.11.
Variant type: single nucleotide variant.
Coding change: c.*414G>T on transcript NM_000113.3 (MANE Select); 414 bases downstream of the stop codon, G replaced by T.
Molecular consequence: 3 prime UTR variant.
Genome position (GRCh38, 1-based): chr9:129,813,558, C>A on the plus strand (G>T on the coding strand, the complement: TOR1A is on the minus strand). VCF-style: chr9-129813558-C-A. GRCh37 (hg19) VCF-style: chr9-132575837-C-A.
Other names: NC_000009.11:g.132575837C>A.
Identifiers: ClinVar variation 365225 (VCV000365225.7), dbSNP rs199964594, ClinGen allele CA10632518.

ClinVar aggregate classification (germline): Benign. Review status: criteria provided, multiple submitters, no conflicts (2 of 4 stars). 2 submissions from 2 submitters: Benign (2). Last evaluated 2018-01-13.

Conditions:
Early-onset generalized limb-onset dystonia. Also called: Dystonia-1, torsion; DYSTONIA 1, TORSION, AUTOSOMAL DOMINANT; Dystonia 1, modifier of; Oppenheim's dystonia; DYSTONIA MUSCULORUM DEFORMANS 1; DYT1 Early-Onset Primary Dystonia. Identifiers: Orphanet 256, MedGen C1851945, MONDO:0007492, OMIM 128100.

Allele frequency attached by ClinVar (database versions not stated): TOPMed 0.06524; gnomAD 0.07642 and 0.07887; 1000 Genomes Project 0.07867; gnomAD exomes 0.10838.

Submissions (4):

Illumina Laboratory Services, Illumina
Classification: Benign for Early-onset generalized limb-onset dystonia. Last evaluated: 2018-01-13. Review status: criteria provided, single submitter. Criteria: ICSL Variant Classification Criteria 13 December 2019. Collection method: clinical testing. Allele origin: germline.
Comment: This variant was observed in the ICSL laboratory as part of a predisposition screen in an ostensibly healthy population. It had not been previously curated by ICSL or reported in the Human Gene Mutation Database (HGMD: prior to June 1st, 2018), and was therefore a candidate for classification through an automated scoring system. Utilizing variant allele frequency, disease prevalence and penetrance estimates, and inheritance mode, an automated score was calculated to assess if this variant is too frequent to cause the disease. Based on the score and internal cut-off values, a variant classified as benign is not then subjected to further curation. The score for this variant resulted in a classification of benign for this disease.

Breakthrough Genomics
Classification: Benign. Review status: criteria provided, single submitter. Criteria: ACMG Guidelines, 2015. Collection method: not provided. Allele origin: germline. Inheritance: Autosomal recessive inheritance. Affected: yes.

Dr. Peter K. Rogan Lab, Western University
No classification provided (evidence only). Condition: Acute myeloid leukemia. Review status: no classification provided. Collection method: in vitro. Allele origin: not applicable. Functional consequence: retained intron. Not counted in ClinVar's aggregate classification.

Dr. Peter K. Rogan Lab, Western University
No classification provided (evidence only). Condition: Ovarian serous cystadenocarcinoma. Review status: no classification provided. Collection method: in vitro. Allele origin: not applicable. Functional consequence: retained intron. Not counted in ClinVar's aggregate classification.